The following is an entry in ClinVar:

ClinVar aggregate classification (germline): Conflicting classifications of pathogenicity. Review status: criteria provided, conflicting classifications (1 of 4 stars). 6 submissions from 6 submitters: Uncertain significance (5); Likely benign (1). Last evaluated 2026-03-24.

Conditions:
ALPK3-related disorder. Also called: ALPK3-related condition.
Cardiovascular phenotype. Identifiers: MedGen CN230736.

Allele frequency attached by ClinVar (database versions not stated): gnomAD 0.00003; TOPMed 0.00008.
gnomAD v4.1: 13 of 1,613,988 alleles (0.00081%); highest among the groups gnomAD compares: Admixed American, 0.0083%; no homozygotes.

Submissions (6):

PreventionGenetics, part of Exact Sciences
Classification: Uncertain significance for ALPK3-related condition. Last evaluated: 2026-03-24. Review status: criteria provided, single submitter. Criteria: ACMG Guidelines, 2015. Collection method: clinical testing. Allele origin: germline.
Comment: The ALPK3 c.4830C>T variant is not predicted to result in an amino acid change (p.=). This variant is predicted to alter splicing based on available splicing prediction programs (SpliceAI, Jaganathan et al. 2019. PubMed ID: 30661751). However, the use of computer prediction programs is not equivalent to functional evidence. To our knowledge, this variant has not been reported in the literature. This variant is reported in 0.0085% of alleles in individuals of Latino descent in gnomAD. At this time, the clinical significance of this variant is uncertain due to the absence of conclusive functional and genetic evidence.

Labcorp Genetics (formerly Invitae), Labcorp
Classification: Uncertain significance. Last evaluated: 2025-12-03. Review status: criteria provided, single submitter. Criteria: Invitae Variant Classification Sherloc (09022015). Collection method: clinical testing. Allele origin: germline.
Comment: This sequence change affects codon 1610 of the ALPK3 mRNA. It is a 'silent' change, meaning that it does not change the encoded amino acid sequence of the ALPK3 protein. This variant is present in population databases (rs773522765, gnomAD 0.009%). This variant has not been reported in the literature in individuals affected with ALPK3-related conditions. ClinVar contains an entry for this variant (Variation ID: 511563). Algorithms developed to predict the effect of sequence changes on RNA splicing suggest that this variant may create or strengthen a splice site. In summary, the available evidence is currently insufficient to determine the role of this variant in disease. Therefore, it has been classified as a Variant of Uncertain Significance.

Women's Health and Genetics/Laboratory Corporation of America, LabCorp
Classification: Likely benign. Last evaluated: 2025-09-15. Review status: criteria provided, single submitter. Criteria: LabCorp Variant Classification Summary - May 2015. Collection method: clinical testing. Allele origin: germline.

Ambry Genetics
Classification: Uncertain significance for Cardiovascular phenotype. Last evaluated: 2025-08-13. Review status: criteria provided, single submitter. Criteria: Ambry Variant Classification Scheme 2023. Collection method: clinical testing. Allele origin: germline.
Comment: The c.4830C>T variant (also known as p.S1610S), located in coding exon 10 of the ALPK3 gene, results from a C to T substitution at nucleotide position 4830. This nucleotide substitution does not change the serine at codon 1610. This nucleotide position is not well conserved in available vertebrate species. In silico splice site analysis for this alteration is inconclusive. Since supporting evidence is limited at this time, the clinical significance of this alteration remains unclear.

Blueprint Genetics
Classification: Uncertain significance. Last evaluated: 2024-01-22. Review status: criteria provided, single submitter. Criteria: ACMG Guidelines, 2015. Collection method: clinical testing. Allele origin: germline.

GeneDx
Classification: Uncertain significance. Last evaluated: 2023-01-12. Review status: criteria provided, single submitter. Criteria: GeneDx Variant Classification Process June 2021. Collection method: clinical testing. Allele origin: germline. Affected: yes.
Comment: Not observed at significant frequency in large population cohorts (gnomAD); In silico analysis suggests this variant may impact gene splicing. In the absence of RNA/functional studies, the actual effect of this sequence change is unknown.; Has not been previously published as pathogenic or benign to our knowledge

NM_020778.5(ALPK3):c.4224C>T (p.Ser1408=)

Gene: ALPK3 (alpha kinase 3; plus strand). Cytogenetic location: 15q25.3.
Variant type: single nucleotide variant.
Coding change: c.4224C>T on transcript NM_020778.5 (MANE Select); coding-DNA position 4224, C replaced by T.
Protein change: p.Ser1408=; no amino-acid change (serine 1408 retained).
Molecular consequence: synonymous variant.
Genome position (GRCh38, 1-based): chr15:84,862,729, C>T. VCF-style: chr15-84862729-C-T. GRCh37 (hg19) VCF-style: chr15-85405960-C-T.
Identifiers: ClinVar variation 511563 (VCV000511563.53), dbSNP rs773522765, ClinGen allele CA7709903.